The following is an entry in ClinVar:

ClinVar aggregate classification (germline): Uncertain significance (1 of 4 stars; one submission).

Allele frequency attached by ClinVar (database versions not stated): ExAC 0.00001.
gnomAD v4.1: 1 of 1,606,898 alleles (0.000062%); highest among the groups gnomAD compares: Non-Finnish European, 0.000085%; no homozygotes.

Submission:

Labcorp Genetics (formerly Invitae), Labcorp
Classification: Uncertain significance. Last evaluated: 2023-12-07. Review status: criteria provided, single submitter. Criteria: Invitae Variant Classification Sherloc (09022015). Collection method: clinical testing. Allele origin: germline.
Comment: This sequence change replaces glycine, which is neutral and non-polar, with valine, which is neutral and non-polar, at codon 741 of the NALCN protein (p.Gly741Val). This variant is present in population databases (rs747964903, gnomAD 0.0009%). This variant has not been reported in the literature in individuals affected with NALCN-related conditions. ClinVar contains an entry for this variant (Variation ID: 2126509). Advanced modeling of protein sequence and biophysical properties (such as structural, functional, and spatial information, amino acid conservation, physicochemical variation, residue mobility, and thermodynamic stability) performed at Invitae indicates that this missense variant is not expected to disrupt NALCN protein function with a negative predictive value of 80%. In summary, the available evidence is currently insufficient to determine the role of this variant in disease. Therefore, it has been classified as a Variant of Uncertain Significance.

NM_052867.4(NALCN):c.2222G>T (p.Gly741Val)

Gene: NALCN (sodium leak channel, non-selective; minus strand). Cytogenetic location: 13q33.1.
Variant type: single nucleotide variant.
Coding change: c.2222G>T on transcript NM_052867.4 (MANE Select); coding-DNA position 2222, G replaced by T.
Protein change: p.Gly741Val; replaces glycine 741 with valine.
Molecular consequence: missense variant.
Genome position (GRCh38, 1-based): chr13:101,111,197, C>A on the plus strand (G>T on the coding strand, the complement: NALCN is on the minus strand). VCF-style: chr13-101111197-C-A. GRCh37 (hg19) VCF-style: chr13-101763548-C-A.
Other names: c.2309G>T, p.Gly770Val (NM_001350748.2); c.2222G>T, p.Gly741Val (NM_001350749.2); c.2135G>T, p.Gly712Val (NM_001350750.2, NM_001350751.2); short protein forms G741V, G712V, G770V.
Identifiers: ClinVar variation 2126509 (VCV002126509.4), dbSNP rs747964903, ClinGen allele CA7035782.
Genomic context (GRCh38, chr13:101,111,197, plus strand): 5'-CGGATATGATGCTGCACGCTGAGGATTGACCTCTCCTTTGCGGGCTGCCCCTCAAATGAT[C>A]CGCTCAGCATGCGCTGTCGGGTGCAAGCTCTAGGAAAAAAAAAGGAGCCCAAGATAAATG-3'
Protein context (NP_443099.1, residues 731-751): RACTRQRMLS[Gly741Val]SFEGQPAKER